The following is an entry in ClinVar:

NM_004408.4(DNM1):c.1493+20A>G

Gene: DNM1 (dynamin 1; plus strand). Cytogenetic location: 9q34.11.
Variant type: single nucleotide variant.
Coding change: c.1493+20A>G on transcript NM_004408.4 (MANE Select); 20 bases into the intron after coding-DNA position 1493, A replaced by G.
Molecular consequence: intron variant.
Genome position (GRCh38, 1-based): chr9:128,239,535, A>G. VCF-style: chr9-128239535-A-G. GRCh37 (hg19) VCF-style: chr9-131001814-A-G.
Other names: c.1493+20A>G (NM_001005336.3, NM_001374269.1, NM_001288738.2 and 2 more transcripts).
Identifiers: ClinVar variation 2982907 (VCV002982907.3), dbSNP rs2539062467, ClinGen allele CA2691873981.

ClinVar aggregate classification (germline): Uncertain significance (1 of 4 stars; one submission).

Conditions:
Developmental and epileptic encephalopathy, 31A. Also called: Developmental and epileptic encephalopathy, 31; Epileptic encephalopathy, early infantile, 31. Identifiers: Orphanet 2382, MedGen C4225357, MONDO:0014598, OMIM 616346.

Submission:

Labcorp Genetics (formerly Invitae), Labcorp
Classification: Uncertain significance for Developmental and epileptic encephalopathy, 31A. Last evaluated: 2023-04-26. Review status: criteria provided, single submitter. Criteria: Invitae Variant Classification Sherloc (09022015). Collection method: clinical testing. Allele origin: germline.
Comment: In summary, the available evidence is currently insufficient to determine the role of this variant in disease. Therefore, it has been classified as a Variant of Uncertain Significance. Algorithms developed to predict the effect of sequence changes on RNA splicing suggest that this variant may disrupt the consensus splice site. This variant has not been reported in the literature in individuals affected with DNM1-related conditions. This variant is not present in population databases (gnomAD no frequency). This sequence change falls in intron 12 of the DNM1 gene. It does not directly change the encoded amino acid sequence of the DNM1 protein.